The following is an entry in ClinVar:

NM_001399.5(EDA):c.58C>T (p.Arg20Ter)

Gene: EDA (ectodysplasin A; plus strand). Cytogenetic location: Xq13.1.
Variant type: single nucleotide variant.
Coding change: c.58C>T on transcript NM_001399.5 (MANE Select); coding-DNA position 58, C replaced by T.
Protein change: p.Arg20Ter; replaces arginine 20 with a stop codon.
Molecular consequence: nonsense.
Genome position (GRCh38, 1-based): chrX:69,616,366, C>T. VCF-style: chrX-69616366-C-T. GRCh37 (hg19) VCF-style: chrX-68836210-C-T.
Other names: c.58C>T, p.Arg20Ter (NM_001005609.2, NM_001005610.4, NM_001005612.3 and 2 more transcripts); short protein forms R20*.
Identifiers: ClinVar variation 2138594 (VCV002138594.4), dbSNP rs2519669835, ClinGen allele CA413446991.

ClinVar aggregate classification (germline): Pathogenic (1 of 4 stars; one submission).

Conditions:
Hypohidrotic X-linked ectodermal dysplasia (XHED). Also called: ECTODERMAL DYSPLASIA 1; Ectodermal Dysplasia 1, Anhidrotic; ECTODERMAL DYSPLASIA 1, HYPOHIDROTIC/HAIR/TOOTH TYPE, X-LINKED; ECTODERMAL DYSPLASIA 1, HYPOHIDROTIC, X-LINKED; ECTODERMAL DYSPLASIA, HYPOHIDROTIC, 1; CST SYNDROME. Identifiers: Orphanet 181, Orphanet 238468, MedGen C0162359, MONDO:0010585, OMIM 305100.

Submission:

Labcorp Genetics (formerly Invitae), Labcorp
Classification: Pathogenic for Hypohidrotic X-linked ectodermal dysplasia. Last evaluated: 2021-12-15. Review status: criteria provided, single submitter. Criteria: Invitae Variant Classification Sherloc (09022015). Collection method: clinical testing. Allele origin: germline.
Comment: This sequence change creates a premature translational stop signal (p.Arg20*) in the EDA gene. It is expected to result in an absent or disrupted protein product. Loss-of-function variants in EDA are known to be pathogenic (PMID: 9683615). This variant is not present in population databases (gnomAD no frequency). This premature translational stop signal has been observed in individual(s) with ectodermal dysplasia (PMID: 19438931). Algorithms developed to predict the effect of sequence changes on RNA splicing suggest that this variant may create or strengthen a splice site. For these reasons, this variant has been classified as Pathogenic.

Literature cited by the submitters: PubMed 9683615; PubMed 19438931.